The following is an entry in ClinVar:

NM_004082.5(DCTN1):c.*122A>C

Gene: DCTN1 (dynactin subunit 1; minus strand). Cytogenetic location: 2p13.1.
Variant type: single nucleotide variant.
Coding change: c.*122A>C on transcript NM_004082.5 (MANE Select); 122 bases downstream of the stop codon, A replaced by C.
Molecular consequence: 3 prime UTR variant. On other transcripts: non-coding transcript variant (1).
Genome position (GRCh38, 1-based): chr2:74,361,377, T>G on the plus strand (A>C on the coding strand, the complement: DCTN1 is on the minus strand). VCF-style: chr2-74361377-T-G. GRCh37 (hg19) VCF-style: chr2-74588504-T-G.
Other names: c.*122A>C (NM_001135040.3, NM_001135041.3, NM_001190836.2 and 4 more transcripts).
Identifiers: ClinVar variation 337063 (VCV000337063.6), dbSNP rs777649011, ClinGen allele CA1721308.

ClinVar aggregate classification (germline): Benign. Review status: criteria provided, multiple submitters, no conflicts (2 of 4 stars). 3 submissions from 2 submitters: Benign (3). Last evaluated 2018-01-13.

Conditions:
Perry syndrome. Also called: PARKINSONISM WITH ALVEOLAR HYPOVENTILATION AND MENTAL DEPRESSION. Identifiers: Orphanet 178509, MedGen C1868594, MONDO:0008201, OMIM 168605.
Neuronopathy, distal hereditary motor, type 7B. Also called: HMN VIIB; LOWER MOTOR NEURON DISEASE, DYNACTIN TYPE; NEURONOPATHY, DISTAL HEREDITARY MOTOR, AUTOSOMAL DOMINANT 14; NEURONOPATHY, DISTAL HEREDITARY MOTOR, HARDING TYPE VIIB; NEUROPATHY, DISTAL HEREDITARY MOTOR, HARDING TYPE VIIB; NEUROPATHY, DISTAL HEREDITARY MOTOR, WITH VOCAL CORD PARALYSIS, HARDING TYPE VIIB. Identifiers: Orphanet 139589, MedGen C1843315, MONDO:0011879, OMIM 607641.

Allele frequency attached by ClinVar (database versions not stated): ExAC 0.00158; 1000 Genomes Project 30x 0.00016; gnomAD 0.00034 and 0.00035; TOPMed 0.00035; gnomAD exomes 0.00042 and 0.00081.
gnomAD v4.1: 610 of 1,411,738 alleles (0.043%); highest among the groups gnomAD compares: South Asian, 0.13%; 4 homozygotes.

Submissions (3):

Illumina Laboratory Services, Illumina
Classification: Benign for Perry syndrome. Last evaluated: 2018-01-13. Review status: criteria provided, single submitter. Criteria: ICSL Variant Classification Criteria 13 December 2019. Collection method: clinical testing. Allele origin: germline.
Comment: This variant was observed in the ICSL laboratory as part of a predisposition screen in an ostensibly healthy population. It had not been previously curated by ICSL or reported in the Human Gene Mutation Database (HGMD: prior to June 1st, 2018), and was therefore a candidate for classification through an automated scoring system. Utilizing variant allele frequency, disease prevalence and penetrance estimates, and inheritance mode, an automated score was calculated to assess if this variant is too frequent to cause the disease. Based on the score and internal cut-off values, a variant classified as benign is not then subjected to further curation. The score for this variant resulted in a classification of benign for this disease.

Illumina Laboratory Services, Illumina
Classification: Benign for Neuronopathy, distal hereditary motor, type 7B. Last evaluated: 2018-01-13. Review status: criteria provided, single submitter. Criteria: ICSL Variant Classification Criteria 13 December 2019. Collection method: clinical testing. Allele origin: germline.
Comment: the same text as in the submission from Illumina Laboratory Services, Illumina above.

Breakthrough Genomics
Classification: Benign. Review status: criteria provided, single submitter. Criteria: ACMG Guidelines, 2015. Collection method: not provided. Allele origin: germline. Inheritance: Autosomal recessive inheritance. Affected: yes.